The following is an entry in ClinVar:

NM_015158.5(KANK1):c.3825C>T (p.Ser1275=)

Gene: KANK1 (KN motif and ankyrin repeat domains 1; plus strand). Cytogenetic location: 9p24.3.
Variant type: single nucleotide variant.
Coding change: c.3825C>T on transcript NM_015158.5 (MANE Select); coding-DNA position 3825, C replaced by T.
Protein change: p.Ser1275=; no amino-acid change (serine 1275 retained).
Molecular consequence: synonymous variant. On other transcripts: non-coding transcript variant (1).
Genome position (GRCh38, 1-based): chr9:742,333, C>T. VCF-style: chr9-742333-C-T. GRCh37 (hg19) VCF-style: chr9-742333-C-T.
Other names: c.3825C>T, p.Ser1275= (NM_001256876.3, NM_001256877.3, NM_001354334.2); c.3585C>T, p.Ser1195= (NM_001354331.2); c.3771C>T, p.Ser1257= (NM_001354332.2); c.3351C>T, p.Ser1117= (NM_001354333.2, NM_001354335.2, NM_001354337.2 and 2 more transcripts); c.3057C>T, p.Ser1019= (NM_001354336.2); c.3297C>T, p.Ser1099= (NM_001354338.2, NM_001354340.2, NM_001354344.2); c.3111C>T, p.Ser1037= (NM_001354339.2, NM_001354342.2, NM_001354343.2); c.3825C>T (NM_015158.3).
Identifiers: ClinVar variation 2179310 (VCV002179310.22), dbSNP rs140326298, ClinGen allele CA4961180.

ClinVar aggregate classification (germline): Benign/Likely benign. Review status: criteria provided, multiple submitters, no conflicts (2 of 4 stars). 4 submissions from 4 submitters: Benign (1); Likely benign (2). 1 of the submissions does not count toward it. Last evaluated 2025-08-16.

Conditions:
KANK1-related disorder. Also called: KANK1-related condition.

Allele frequency attached by ClinVar (database versions not stated): ESP Exome Variant Server 0.00008; gnomAD exomes 0.00028; ExAC 0.00058; 1000 Genomes Project 30x 0.00141; 1000 Genomes Project 0.00160.
gnomAD v4.1: 436 of 1,614,072 alleles (0.027%); highest among the groups gnomAD compares: East Asian, 0.33%; 6 homozygotes.

Submissions (5):

Labcorp Genetics (formerly Invitae), Labcorp
Classification: Benign. Last evaluated: 2025-08-16. Review status: criteria provided, single submitter. Criteria: Invitae Variant Classification Sherloc (09022015). Collection method: clinical testing. Allele origin: germline.

Blueprint Genetics
Classification: Likely benign. Last evaluated: 2024-10-23. Review status: criteria provided, single submitter. Criteria: ACMG Guidelines, 2015. Collection method: clinical testing. Allele origin: germline.

CeGaT Center for Human Genetics Tuebingen
Classification: Likely benign. Last evaluated: 2024-10-01. Review status: criteria provided, single submitter. Criteria: CeGaT Center For Human Genetics Tuebingen Variant Classification Criteria Version 2. Collection method: clinical testing. Allele origin: germline. Affected: yes. Observed: 1 variant allele.
Comment: KANK1: BP4, BP7

PreventionGenetics, part of Exact Sciences
Classification: Likely benign for KANK1-related condition. Last evaluated: 2022-12-19. Review status: no assertion criteria provided. Collection method: clinical testing. Allele origin: germline. Not counted in ClinVar's aggregate classification.
Comment: This variant is classified as likely benign based on ACMG/AMP sequence variant interpretation guidelines (Richards et al. 2015 PMID: 25741868, with internal and published modifications).

Dr. Peter K. Rogan Lab, Western University
No classification provided (evidence only). Condition: Gastric cancer. Review status: no classification provided. Collection method: in vitro. Allele origin: not applicable. Functional consequence: retained intron. Not counted in ClinVar's aggregate classification.